The following is an entry in ClinVar:

ClinVar aggregate classification (germline): Conflicting classifications of pathogenicity. Review status: criteria provided, conflicting classifications (1 of 4 stars). 5 submissions from 5 submitters: Uncertain significance (3); Likely benign (1). 1 of the submissions does not count toward it. Last evaluated 2026-04-23.

Conditions:
MYO7A-related disorder. Also called: MYO7A-related disorders.
Usher syndrome type 1B (USH1B). Also called: Usher syndrome type IB. Identifiers: MedGen C1848638, MONDO:0700087.

Allele frequency attached by ClinVar (database versions not stated): gnomAD 0.00001; gnomAD exomes 0.00009; ExAC 0.00012; 1000 Genomes Project 0.00020; 1000 Genomes Project 30x 0.00031.
gnomAD v4.1: 42 of 1,613,366 alleles (0.0026%); highest among the groups gnomAD compares: South Asian, 0.041%; 1 homozygote.

Submissions (5):

PreventionGenetics, part of Exact Sciences
Classification: Uncertain significance for MYO7A-related condition. Last evaluated: 2026-04-23. Review status: criteria provided, single submitter. Criteria: ACMG Guidelines, 2015. Collection method: clinical testing. Allele origin: germline.
Comment: The MYO7A c.2806C>T variant is predicted to result in the amino acid substitution p.Pro936Ser. To our knowledge, this variant has not been reported in the literature. This variant is reported in 0.072% of alleles in individuals of South Asian descent in gnomAD. Although we suspect that this variant may be benign, at this time, the clinical significance of this variant is uncertain due to the absence of conclusive functional and genetic evidence.

CeGaT Center for Human Genetics Tuebingen
Classification: Uncertain significance. Last evaluated: 2026-01-01. Review status: criteria provided, single submitter. Criteria: CeGaT Center For Human Genetics Tuebingen Variant Classification Criteria Version 2. Collection method: clinical testing. Allele origin: germline. Affected: yes. Observed: 1 variant allele.

Labcorp Genetics (formerly Invitae), Labcorp
Classification: Likely benign. Last evaluated: 2025-11-18. Review status: criteria provided, single submitter. Criteria: Invitae Variant Classification Sherloc (09022015). Collection method: clinical testing. Allele origin: germline.

Blueprint Genetics
Classification: Uncertain significance. Last evaluated: 2024-02-28. Review status: criteria provided, single submitter. Criteria: ACMG Guidelines, 2015. Collection method: clinical testing. Allele origin: germline.

Natera, Inc.
Classification: Uncertain significance for Usher syndrome type 1B. Last evaluated: 2020-04-16. Review status: no assertion criteria provided. Collection method: clinical testing. Allele origin: germline. Not counted in ClinVar's aggregate classification.

NM_000260.4(MYO7A):c.2806C>T (p.Pro936Ser)

Gene: MYO7A (myosin VIIA; plus strand). Cytogenetic location: 11q13.5.
Variant type: single nucleotide variant.
Coding change: c.2806C>T on transcript NM_000260.4 (MANE Select); coding-DNA position 2806, C replaced by T.
Protein change: p.Pro936Ser; replaces proline 936 with serine.
Molecular consequence: missense variant.
Genome position (GRCh38, 1-based): chr11:77,181,491, C>T. VCF-style: chr11-77181491-C-T. GRCh37 (hg19) VCF-style: chr11-76892537-C-T.
Other names: c.2806C>T, p.Pro936Ser (NM_001127180.2); c.2773C>T, p.Pro925Ser (NM_001369365.1); c.2806C>T (NM_000260.3); short protein forms P925S, P936S.
Identifiers: ClinVar variation 991230 (VCV000991230.16), dbSNP rs559446180, ClinGen allele CA6197939.